The following is an entry in ClinVar:

ClinVar aggregate classification (germline): Uncertain significance (1 of 4 stars; one submission).

Allele frequency attached by ClinVar (database versions not stated): TOPMed below 0.00001; gnomAD 0.00001; gnomAD exomes 0.00001.
gnomAD v4.1: 10 of 1,614,024 alleles (0.00062%); highest among the groups gnomAD compares: Non-Finnish European, 0.00085%; no homozygotes.

Submission:

Ambry Genetics
Classification: Uncertain significance. Last evaluated: 2024-02-13. Review status: criteria provided, single submitter. Criteria: Ambry Variant Classification Scheme 2023. Collection method: clinical testing. Allele origin: germline.
Comment: The p.N313S variant (also known as c.938A>G), located in coding exon 2 of the PALLD gene, results from an A to G substitution at nucleotide position 938. The asparagine at codon 313 is replaced by serine, an amino acid with highly similar properties. This amino acid position is conserved. In addition, this alteration is predicted to be tolerated by in silico analysis. Since supporting evidence is limited at this time, the clinical significance of this alteration remains unclear.

NM_001166108.2(PALLD):c.938A>G (p.Asn313Ser)

Gene: PALLD (palladin, cytoskeletal associated protein; plus strand). Cytogenetic location: 4q32.3.
Variant type: single nucleotide variant.
Coding change: c.938A>G on transcript NM_001166108.2 (MANE Select); coding-DNA position 938, A replaced by G.
Protein change: p.Asn313Ser; replaces asparagine 313 with serine.
Molecular consequence: missense variant. On other transcripts: 5 prime UTR variant (1).
Genome position (GRCh38, 1-based): chr4:168,668,219, A>G. VCF-style: chr4-168668219-A-G. GRCh37 (hg19) VCF-style: chr4-169589370-A-G.
Other names: c.-209A>G (NM_001166109.2); c.938A>G, p.Asn313Ser (NM_016081.4); short protein forms N313S.
Identifiers: ClinVar variation 1766757 (VCV001766757.2), dbSNP rs1427201358, ClinGen allele CA358793643.